The following is an entry in ClinVar:

NM_001868.4(CPA1):c.497G>A (p.Gly166Asp)

Gene: CPA1 (carboxypeptidase A1; plus strand). Cytogenetic location: 7q32.2.
Variant type: single nucleotide variant.
Coding change: c.497G>A on transcript NM_001868.4 (MANE Select); coding-DNA position 497, G replaced by A.
Protein change: p.Gly166Asp; replaces glycine 166 with aspartic acid.
Molecular consequence: missense variant.
Genome position (GRCh38, 1-based): chr7:130,383,404, G>A. VCF-style: chr7-130383404-G-A. GRCh37 (hg19) VCF-style: chr7-130023245-G-A.
Other names: short protein forms G166D.
Identifiers: ClinVar variation 444731 (VCV000444731.58), dbSNP rs144546424, ClinGen allele CA4484826.

ClinVar aggregate classification (germline): Conflicting classifications of pathogenicity. Review status: criteria provided, conflicting classifications (1 of 4 stars). 5 submissions from 5 submitters: Uncertain significance (1); Likely benign (3). 1 of the submissions does not count toward it. Last evaluated 2026-02-01.

Conditions:
Hereditary pancreatitis (PCTT). Also called: Hereditary chronic pancreatitis; PRSS1-Related Hereditary Pancreatitis. Identifiers: Orphanet 676, MedGen C0238339, MONDO:0008185, OMIM 167800.
CPA1-related disorder. Also called: CPA1-related condition.

Allele frequency attached by ClinVar (database versions not stated): 1000 Genomes Project 0.00060; 1000 Genomes Project 30x 0.00078; ESP Exome Variant Server 0.00138; ExAC 0.00145; gnomAD exomes 0.00171 and 0.00290; TOPMed 0.00186; gnomAD 0.00201 and 0.00209.

Submissions (5):

Labcorp Genetics (formerly Invitae), Labcorp
Classification: Likely benign. Last evaluated: 2026-02-01. Review status: criteria provided, single submitter. Criteria: Invitae Variant Classification Sherloc (09022015). Collection method: clinical testing. Allele origin: germline.

Ambry Genetics
Classification: Likely benign for Hereditary pancreatitis. Last evaluated: 2022-01-04. Review status: criteria provided, single submitter. Criteria: Ambry Variant Classification Scheme 2023. Collection method: clinical testing. Allele origin: germline.

Sema4
Classification: Likely benign for Hereditary pancreatitis. Last evaluated: 2021-04-23. Review status: criteria provided, single submitter. Criteria: Sema4 Curation Guidelines. Collection method: curation. Allele origin: germline.

CeGaT Center for Human Genetics Tuebingen
Classification: Uncertain significance. Last evaluated: 2017-04-01. Review status: criteria provided, single submitter. Criteria: CeGaT Center For Human Genetics Tuebingen Variant Classification Criteria Version 2. Collection method: clinical testing. Allele origin: germline. Affected: yes. Observed: 2 variant alleles.

PreventionGenetics, part of Exact Sciences
Classification: Likely benign for CPA1-related condition. Last evaluated: 2023-06-02. Review status: no assertion criteria provided. Collection method: clinical testing. Allele origin: germline. Not counted in ClinVar's aggregate classification.
Comment: This variant is classified as likely benign based on ACMG/AMP sequence variant interpretation guidelines (Richards et al. 2015 PMID: 25741868, with internal and published modifications).

Literature cited by the submitters: PubMed 23955596 (cited by Ambry Genetics).